The following is an entry in ClinVar:

NM_000257.4(MYH7):c.1957-15C>A

Gene: MYH7 (myosin heavy chain 7; minus strand). Cytogenetic location: 14q11.2.
Variant type: single nucleotide variant.
Coding change: c.1957-15C>A on transcript NM_000257.4 (MANE Select); 15 bases into the intron before coding-DNA position 1957, C replaced by A.
Molecular consequence: intron variant.
Genome position (GRCh38, 1-based): chr14:23,426,879, G>T on the plus strand (C>A on the coding strand, the complement: MYH7 is on the minus strand). VCF-style: chr14-23426879-G-T. GRCh37 (hg19) VCF-style: chr14-23896088-G-T.
Identifiers: ClinVar variation 505034 (VCV000505034.7), dbSNP rs1555338036, ClinGen allele CA658798192.

ClinVar aggregate classification (germline): Conflicting classifications of pathogenicity. Review status: criteria provided, conflicting classifications (1 of 4 stars). 2 submissions from 2 submitters: Uncertain significance (1); Likely benign (1). Last evaluated 2025-05-08.

Conditions:
Hypertrophic cardiomyopathy. Also called: HYPERTROPHIC MYOCARDIOPATHY. Identifiers: Orphanet 217569, MedGen C0007194, MeSH D002312, MONDO:0005045, HP:0001639.

Allele frequency attached by ClinVar (database versions not stated): gnomAD exomes below 0.00001.
gnomAD v4.1: 1 of 1,609,696 alleles (0.000062%); highest among the groups gnomAD compares: Non-Finnish European, 0.000085%; no homozygotes.

Submissions (2):

Labcorp Genetics (formerly Invitae), Labcorp
Classification: Likely benign for Hypertrophic cardiomyopathy. Last evaluated: 2025-05-08. Review status: criteria provided, single submitter. Criteria: Invitae Variant Classification Sherloc (09022015). Collection method: clinical testing. Allele origin: germline.

Laboratory for Molecular Medicine, Mass General Brigham Personalized Medicine
Classification: Uncertain significance. Last evaluated: 2016-05-12. Review status: criteria provided, single submitter. Criteria: LMM Criteria. Collection method: clinical testing. Allele origin: germline. Observed: 1 variant allele.
Comment: Variant classified as Uncertain Significance - Favor Benign. The c.1957-15C>A va riant in MYH7 has not been previously reported in individuals with cardiomyopath y or in large population studies. This variant is located in the 3' splice regio n. Computational tools do not suggest an impact to splicing. However, this infor mation is not predictive enough to rule out pathogenicity. In summary, the clini cal significance of the c.1957-15C>A variant is uncertain.